The following is an entry in ClinVar:

NM_144997.7(FLCN):c.1622C>T (p.Ala541Val)

Gene: FLCN (folliculin; minus strand). Cytogenetic location: 17p11.2.
Variant type: single nucleotide variant.
Coding change: c.1622C>T on transcript NM_144997.7 (MANE Select); coding-DNA position 1622, C replaced by T.
Protein change: p.Ala541Val; replaces alanine 541 with valine.
Molecular consequence: missense variant.
Genome position (GRCh38, 1-based): chr17:17,213,773, G>A on the plus strand (C>T on the coding strand, the complement: FLCN is on the minus strand). VCF-style: chr17-17213773-G-A. GRCh37 (hg19) VCF-style: chr17-17117087-G-A.
Other names: c.1676C>T, p.Ala559Val (NM_001353229.2); c.1622C>T, p.Ala541Val (NM_001353230.2, NM_001353231.2); short protein forms A541V, A559V.
Identifiers: ClinVar variation 1044208 (VCV001044208.7), dbSNP rs764899882, ClinGen allele CA8415927.

ClinVar aggregate classification (germline): Conflicting classifications of pathogenicity. Review status: criteria provided, conflicting classifications (1 of 4 stars). 2 submissions from 2 submitters: Uncertain significance (1); Likely benign (1). Last evaluated 2025-09-26.

Conditions:
Hereditary cancer-predisposing syndrome. Also called: Hereditary neoplastic syndrome; Neoplastic Syndromes, Hereditary; Tumor predisposition; Hereditary Cancer Syndrome. Identifiers: Orphanet 140162, MedGen C0027672, MeSH D009386, MONDO:0015356.
Birt-Hogg-Dube syndrome. Also called: Birt Hogg Dubé syndrome. Identifiers: Orphanet 122, MedGen C0346010, MONDO:0800444.

Allele frequency attached by ClinVar (database versions not stated): gnomAD 0.00001; gnomAD exomes 0.00001 and 0.00002; TOPMed 0.00001; ExAC 0.00002.
gnomAD v4.1: 10 of 1,614,106 alleles (0.00062%); highest among the groups gnomAD compares: South Asian, 0.0022%; no homozygotes.

Submissions (2):

Labcorp Genetics (formerly Invitae), Labcorp
Classification: Uncertain significance for Birt-Hogg-Dube syndrome. Last evaluated: 2025-09-26. Review status: criteria provided, single submitter. Criteria: Invitae Variant Classification Sherloc (09022015). Collection method: clinical testing. Allele origin: germline.
Comment: This sequence change replaces alanine, which is neutral and non-polar, with valine, which is neutral and non-polar, at codon 541 of the FLCN protein (p.Ala541Val). This variant is present in population databases (rs764899882, gnomAD 0.003%). This variant has not been reported in the literature in individuals affected with FLCN-related conditions. ClinVar contains an entry for this variant (Variation ID: 1044208). Invitae Evidence Modeling of protein sequence and biophysical properties (such as structural, functional, and spatial information, amino acid conservation, physicochemical variation, residue mobility, and thermodynamic stability) indicates that this missense variant is not expected to disrupt FLCN protein function with a negative predictive value of 80%. In summary, the available evidence is currently insufficient to determine the role of this variant in disease. Therefore, it has been classified as a Variant of Uncertain Significance.

Ambry Genetics
Classification: Likely benign for Hereditary cancer-predisposing syndrome. Last evaluated: 2023-10-04. Review status: criteria provided, single submitter. Criteria: Ambry Variant Classification Scheme 2023. Collection method: clinical testing. Allele origin: germline.